The following is an entry in ClinVar:

ClinVar aggregate classification (germline): Uncertain significance (1 of 4 stars; one submission).

Conditions:
Hereditary cancer-predisposing syndrome. Also called: Hereditary Cancer Syndrome; Hereditary neoplastic syndrome; Neoplastic Syndromes, Hereditary; Tumor predisposition. Identifiers: Orphanet 140162, MedGen C0027672, MeSH D009386, MONDO:0015356.

Submission:

Sema4
Classification: Uncertain significance for Hereditary cancer-predisposing syndrome. Last evaluated: 2022-03-05. Review status: criteria provided, single submitter. Criteria: Sema4 Curation Guidelines. Collection method: curation. Allele origin: germline.
Comment: The NF1 c.2517C>A (p.N839K) variant has not been reported in the literature to our knowledge. This variant is not reported in the population database Genome Aggregation Database (PMID: 32461654). The variant has not been reported in ClinVar. In silico tools suggest the impact of the variant on protein function is deleterious, though these predictions have not been confirmed by functional studies. The evidence is insufficient to meet ACMG/AMP criteria for classifying the variant as benign or pathogenic. Thus, the clinical significance of this variant is currently uncertain.

NM_001042492.3(NF1):c.2517C>A (p.Asn839Lys)

Gene: NF1 (neurofibromin 1; plus strand). Cytogenetic location: 17q11.2.
Variant type: single nucleotide variant.
Coding change: c.2517C>A on transcript NM_001042492.3 (MANE Select); coding-DNA position 2517, C replaced by A.
Protein change: p.Asn839Lys; replaces asparagine 839 with lysine.
Molecular consequence: missense variant.
Genome position (GRCh38, 1-based): chr17:31,229,132, C>A. VCF-style: chr17-31229132-C-A. GRCh37 (hg19) VCF-style: chr17-29556150-C-A.
Other names: c.2517C>A, p.Asn839Lys (NM_000267.4); short protein forms N839K.
Identifiers: ClinVar variation 1692324 (VCV001692324.1), dbSNP rs876659543, ClinGen allele CA398984157.
Genomic context (GRCh38, chr17:31,229,132, plus strand): 5'-TGTGAGTGGAGGAGGATCCATAGATTTGTCTGACACAGACTCCCTACAGGAATGGATCAA[C>A]ATGACTGGCTTCCTTTGTGCCCTTGGGGGAGTGTGCCTCCAGCAGAGAAGCAATTCTGGC-3'
Protein context (NP_001035957.1, residues 829-849): SDTDSLQEWI[Asn839Lys]MTGFLCALGG